The following is an entry in ClinVar:

NM_001330078.2(NRXN1):c.412G>T (p.Val138Leu)

Gene: NRXN1 (neurexin 1; minus strand). Cytogenetic location: 2p16.3.
Variant type: single nucleotide variant.
Coding change: c.412G>T on transcript NM_001330078.2 (MANE Select); coding-DNA position 412, G replaced by T.
Protein change: p.Val138Leu; replaces valine 138 with leucine.
Molecular consequence: missense variant.
Genome position (GRCh38, 1-based): chr2:51,027,862, C>A on the plus strand (G>T on the coding strand, the complement: NRXN1 is on the minus strand). VCF-style: chr2-51027862-C-A. GRCh37 (hg19) VCF-style: chr2-51255000-C-A.
Other names: c.412G>T, p.Val138Leu (NM_001135659.3, NM_001330077.2, NM_001330079.2 and 15 more transcripts); short protein forms V138L.
Identifiers: ClinVar variation 589726 (VCV000589726.15), dbSNP rs374644929, ClinGen allele CA1655492.

ClinVar aggregate classification (germline): Uncertain significance. Review status: criteria provided, multiple submitters, no conflicts (2 of 4 stars). 2 submissions from 2 submitters: Uncertain significance (2). Last evaluated 2025-08-29.

Conditions:
Inborn genetic diseases. Identifiers: MedGen C0950123, MeSH D030342.
Pitt-Hopkins-like syndrome 2 (PTHSL2). Identifiers: Orphanet 221150, Orphanet 600663, MedGen C3280479, MONDO:0013690, OMIM 614325.

Allele frequency attached by ClinVar (database versions not stated): gnomAD exomes below 0.00001 and 0.00002; ExAC 0.00003; TOPMed 0.00006; gnomAD 0.00007; ESP Exome Variant Server 0.00016.
gnomAD v4.1: 16 of 1,612,942 alleles (0.00099%); highest among the groups gnomAD compares: African/African-American, 0.02%; no homozygotes.

Submissions (2):

Labcorp Genetics (formerly Invitae), Labcorp
Classification: Uncertain significance for Pitt-Hopkins-like syndrome 2. Last evaluated: 2025-08-29. Review status: criteria provided, single submitter. Criteria: Invitae Variant Classification Sherloc (09022015). Collection method: clinical testing. Allele origin: germline.
Comment: This sequence change replaces valine, which is neutral and non-polar, with leucine, which is neutral and non-polar, at codon 138 of the NRXN1 protein (p.Val138Leu). This variant is present in population databases (rs374644929, gnomAD 0.03%). This variant has not been reported in the literature in individuals affected with NRXN1-related conditions. ClinVar contains an entry for this variant (Variation ID: 589726). An algorithm developed to predict the effect of missense changes on protein structure and function (PolyPhen-2) suggests that this variant is likely to be tolerated. In summary, the available evidence is currently insufficient to determine the role of this variant in disease. Therefore, it has been classified as a Variant of Uncertain Significance.

Ambry Genetics
Classification: Uncertain significance for Inborn genetic diseases. Last evaluated: 2016-12-22. Review status: criteria provided, single submitter. Criteria: Ambry Variant Classification Scheme 2023. Collection method: clinical testing. Allele origin: germline.
Comment: The p.V138L variant (also known as c.412G>T), located in coding exon 1 of the NRXN1 gene, results from a G to T substitution at nucleotide position 412. The valine at codon 138 is replaced by leucine, an amino acid with highly similar properties. This amino acid position is not well conserved in available vertebrate species. In addition, this alteration is predicted to be tolerated by in silico analysis. Since supporting evidence is limited at this time, the clinical significance of this variant remains unclear.